The following is an entry in ClinVar:

NM_005618.4(DLL1):c.2167-3del

Genes: DLL1 (delta like canonical Notch ligand 1; minus strand), LOC126859913 (P300/CBP strongly-dependent group 1 enhancer GRCh37_chr6:170591232-170592431; plus strand). Cytogenetic location: 6q27.
Variant type: Deletion.
Coding change: c.2167-3del on transcript NM_005618.4 (MANE Select); 3 bases into the intron before coding-DNA position 2167, one base deleted (C; older notation c.2167-3delC).
Molecular consequence: intron variant.
Genome position (GRCh38, 1-based): chr6:170,282,882, G deleted on the plus strand (C on the coding strand, the reverse complement: DLL1 is on the minus strand); the first of 6 consecutive G bases (chr6:170,282,882-170,282,887); deleting any one gives the same sequence. VCF-style (leftmost placement, unchanged base first): chr6-170282881-TG-T. GRCh37 (hg19) VCF-style: chr6-170591969-TG-T.
Identifiers: ClinVar variation 1542633 (VCV001542633.37), dbSNP rs534959107, ClinGen allele CA4106557.

ClinVar aggregate classification (germline): Benign/Likely benign. Review status: criteria provided, multiple submitters, no conflicts (2 of 4 stars). 3 submissions from 3 submitters: Benign (1); Likely benign (2). Last evaluated 2026-06-01.

Submissions (3):

CeGaT Center for Human Genetics Tuebingen
Classification: Likely benign. Last evaluated: 2026-06-01. Review status: criteria provided, single submitter. Criteria: CeGaT Center For Human Genetics Tuebingen Variant Classification Criteria Version 2. Collection method: clinical testing. Allele origin: germline. Affected: yes. Observed: 19 variant alleles.
Comment: DLL1: BP4, BS1

Labcorp Genetics (formerly Invitae), Labcorp
Classification: Benign. Last evaluated: 2026-01-16. Review status: criteria provided, single submitter. Criteria: Invitae Variant Classification Sherloc (09022015). Collection method: clinical testing. Allele origin: germline.

Blueprint Genetics
Classification: Likely benign. Last evaluated: 2024-11-25. Review status: criteria provided, single submitter. Criteria: ACMG Guidelines, 2015. Collection method: clinical testing. Allele origin: germline.